The following is an entry in ClinVar:

NM_153676.4(USH1C):c.2374C>A (p.Arg792=)

Gene: USH1C (USH1 protein network component harmonin; minus strand). Cytogenetic location: 11p15.1.
Variant type: single nucleotide variant.
Coding change: c.2374C>A on transcript NM_153676.4 (MANE Select); coding-DNA position 2374, C replaced by A.
Protein change: p.Arg792=; no amino-acid change (arginine 792 retained).
Molecular consequence: synonymous variant. On other transcripts: non-coding transcript variant (1).
Genome position (GRCh38, 1-based): chr11:17,501,057, G>T on the plus strand (C>A on the coding strand, the complement: USH1C is on the minus strand). VCF-style: chr11-17501057-G-T. GRCh37 (hg19) VCF-style: chr11-17522604-G-T.
Other names: c.1417C>A, p.Arg473= (NM_001297764.2); c.1474C>A, p.Arg492= (NM_005709.4); c.2374C>A (NM_153676.3).
Identifiers: ClinVar variation 751327 (VCV000751327.13), dbSNP rs200428926, ClinGen allele CA5904204.

ClinVar aggregate classification (germline): Likely benign. Review status: criteria provided, multiple submitters, no conflicts (2 of 4 stars). 4 submissions from 4 submitters: Likely benign (3). 1 of the submissions does not count toward it. Last evaluated 2026-01-15.

Conditions:
Usher syndrome type 1C. Also called: USHER SYNDROME, TYPE I, ACADIAN VARIETY. Identifiers: Orphanet 231169, Orphanet 886, MedGen C1848604, MONDO:0010171, OMIM 276904.
USH1C-related disorder. Also called: USH1C-related condition.

gnomAD v4.1: 96 of 1,613,344 alleles (0.006%); highest among the groups gnomAD compares: South Asian, 0.099%; no homozygotes.

Submissions (4):

Labcorp Genetics (formerly Invitae), Labcorp
Classification: Likely benign. Last evaluated: 2026-01-15. Review status: criteria provided, single submitter. Criteria: Invitae Variant Classification Sherloc (09022015). Collection method: clinical testing. Allele origin: germline.

PreventionGenetics, part of Exact Sciences
Classification: Likely benign for USH1C-related condition. Last evaluated: 2025-07-30. Review status: criteria provided, single submitter. Criteria: ACMG Guidelines, 2015. Collection method: clinical testing. Allele origin: germline.
Comment: This variant is classified as likely benign based on ACMG/AMP sequence variant interpretation guidelines (Richards et al. 2015 PMID: 25741868, with internal and published modifications).

Blueprint Genetics
Classification: Likely benign. Last evaluated: 2022-12-20. Review status: criteria provided, single submitter. Criteria: ACMG Guidelines, 2015. Collection method: clinical testing. Allele origin: germline.

Natera, Inc.
Classification: Uncertain significance for Usher syndrome type 1C. Last evaluated: 2020-02-13. Review status: no assertion criteria provided. Collection method: clinical testing. Allele origin: germline. Not counted in ClinVar's aggregate classification.